The following is an entry in ClinVar:

ClinVar aggregate classification (germline): Uncertain significance (1 of 4 stars; one submission).

gnomAD v4.1: 4 of 1,613,382 alleles (0.00025%); highest among the groups gnomAD compares: Admixed American, 0.0033%; no homozygotes.

Submission:

Labcorp Genetics (formerly Invitae), Labcorp
Classification: Uncertain significance. Last evaluated: 2023-12-02. Review status: criteria provided, single submitter. Criteria: Invitae Variant Classification Sherloc (09022015). Collection method: clinical testing. Allele origin: germline.
Comment: This sequence change replaces alanine, which is neutral and non-polar, with serine, which is neutral and polar, at codon 245 of the STAT4 protein (p.Ala245Ser). This variant is present in population databases (rs201972198, gnomAD 0.006%). This variant has not been reported in the literature in individuals affected with STAT4-related conditions. ClinVar contains an entry for this variant (Variation ID: 1465417). Advanced modeling of protein sequence and biophysical properties (such as structural, functional, and spatial information, amino acid conservation, physicochemical variation, residue mobility, and thermodynamic stability) performed at Invitae indicates that this missense variant is not expected to disrupt STAT4 protein function with a negative predictive value of 80%. In summary, the available evidence is currently insufficient to determine the role of this variant in disease. Therefore, it has been classified as a Variant of Uncertain Significance.

NM_003151.4(STAT4):c.733G>T (p.Ala245Ser)

Gene: STAT4 (signal transducer and activator of transcription 4; minus strand). Cytogenetic location: 2q32.2.
Variant type: single nucleotide variant.
Coding change: c.733G>T on transcript NM_003151.4 (MANE Select); coding-DNA position 733, G replaced by T.
Protein change: p.Ala245Ser; replaces alanine 245 with serine.
Molecular consequence: missense variant.
Genome position (GRCh38, 1-based): chr2:191,064,856, C>A on the plus strand (G>T on the coding strand, the complement: STAT4 is on the minus strand). VCF-style: chr2-191064856-C-A. GRCh37 (hg19) VCF-style: chr2-191929582-C-A.
Other names: c.733G>T, p.Ala245Ser (NM_001243835.2); short protein forms A245S.
Identifiers: ClinVar variation 1465417 (VCV001465417.8), dbSNP rs201972198, ClinGen allele CA2030806.